The following is an entry in ClinVar:

NM_004526.4(MCM2):c.403C>T (p.Leu135Phe)

Gene: MCM2 (minichromosome maintenance complex component 2; plus strand). Cytogenetic location: 3q21.3.
Variant type: single nucleotide variant.
Coding change: c.403C>T on transcript NM_004526.4 (MANE Select); coding-DNA position 403, C replaced by T.
Protein change: p.Leu135Phe; replaces leucine 135 with phenylalanine.
Molecular consequence: missense variant. On other transcripts: non-coding transcript variant (1).
Genome position (GRCh38, 1-based): chr3:127,604,774, C>T. VCF-style: chr3-127604774-C-T. GRCh37 (hg19) VCF-style: chr3-127323617-C-T.
Other names: short protein forms L135F.
Identifiers: ClinVar variation 1317687 (VCV001317687.11), dbSNP rs2307314, ClinGen allele CA2595549.

ClinVar aggregate classification (germline): Likely benign. Review status: criteria provided, multiple submitters, no conflicts (2 of 4 stars). 3 submissions from 3 submitters: Likely benign (2). 1 of the submissions does not count toward it. Last evaluated 2026-01-03.

Conditions:
MCM2-related disorder. Also called: MCM2-related condition.

Allele frequency attached by ClinVar (database versions not stated): gnomAD 0.00004; gnomAD exomes 0.00005 and 0.00026; TOPMed 0.00012; ExAC 0.00021.

Submissions (3):

Labcorp Genetics (formerly Invitae), Labcorp
Classification: Likely benign. Last evaluated: 2026-01-03. Review status: criteria provided, single submitter. Criteria: Invitae Variant Classification Sherloc (09022015). Collection method: clinical testing. Allele origin: germline.

GeneDx
Classification: Likely benign. Last evaluated: 2020-12-21. Review status: criteria provided, single submitter. Criteria: GeneDx Variant Classification Process June 2021. Collection method: clinical testing. Allele origin: germline. Affected: yes.

PreventionGenetics, part of Exact Sciences
Classification: Likely benign for MCM2-related condition. Last evaluated: 2023-05-16. Review status: no assertion criteria provided. Collection method: clinical testing. Allele origin: germline. Not counted in ClinVar's aggregate classification.
Comment: This variant is classified as likely benign based on ACMG/AMP sequence variant interpretation guidelines (Richards et al. 2015 PMID: 25741868, with internal and published modifications).